The following is an entry in ClinVar:

NM_000245.4(MET):c.2027C>T (p.Thr676Ile)

Gene: MET (MET proto-oncogene, receptor tyrosine kinase; plus strand). Cytogenetic location: 7q31.2.
Variant type: single nucleotide variant.
Coding change: c.2027C>T on transcript NM_000245.4 (MANE Select); coding-DNA position 2027, C replaced by T.
Protein change: p.Thr676Ile; replaces threonine 676 with isoleucine.
Molecular consequence: missense variant.
Genome position (GRCh38, 1-based): chr7:116,757,699, C>T. VCF-style: chr7-116757699-C-T. GRCh37 (hg19) VCF-style: chr7-116397753-C-T.
Other names: c.2027C>T, p.Thr676Ile (NM_001127500.3, NM_001324401.3); c.737C>T, p.Thr246Ile (NM_001324402.2); short protein forms T246I, T676I.
Identifiers: ClinVar variation 1904702 (VCV001904702.6), dbSNP rs2116924095, ClinGen allele CA368979826.

ClinVar aggregate classification (germline): Uncertain significance. Review status: criteria provided, multiple submitters, no conflicts (2 of 4 stars). 2 submissions from 2 submitters: Uncertain significance (2). Last evaluated 2026-05-14.

Conditions:
Renal cell carcinoma. Identifiers: Orphanet 217071, MedGen C0007134, MeSH D002292, MONDO:0005086, HP:0005584.
Hereditary cancer-predisposing syndrome. Also called: Neoplastic Syndromes, Hereditary; Tumor predisposition; Hereditary Cancer Syndrome; Hereditary neoplastic syndrome. Identifiers: Orphanet 140162, MedGen C0027672, MeSH D009386, MONDO:0015356.

Allele frequency attached by ClinVar (database versions not stated): gnomAD exomes below 0.00001.
gnomAD v4.1: 2 of 1,613,894 alleles (0.00012%); highest among the groups gnomAD compares: Non-Finnish European, 0.00017%; no homozygotes.

Submissions (2):

Ambry Genetics
Classification: Uncertain significance for Hereditary cancer-predisposing syndrome. Last evaluated: 2026-05-14. Review status: criteria provided, single submitter. Criteria: Ambry Variant Classification Scheme 2023. Collection method: clinical testing. Allele origin: germline.
Comment: The p.T676I variant (also known as c.2027C>T), located in coding exon 7 of the MET gene, results from a C to T substitution at nucleotide position 2027. The threonine at codon 676 is replaced by isoleucine, an amino acid with similar properties. This amino acid position is conserved. In addition, this alteration is predicted to be deleterious by in silico analysis. Based on the available evidence, the clinical significance of this variant remains unclear.

Labcorp Genetics (formerly Invitae), Labcorp
Classification: Uncertain significance for Renal cell carcinoma. Last evaluated: 2024-10-03. Review status: criteria provided, single submitter. Criteria: Invitae Variant Classification Sherloc (09022015). Collection method: clinical testing. Allele origin: germline.
Comment: This sequence change replaces threonine, which is neutral and polar, with isoleucine, which is neutral and non-polar, at codon 676 of the MET protein (p.Thr676Ile). This variant is not present in population databases (gnomAD no frequency). This variant has not been reported in the literature in individuals affected with MET-related conditions. ClinVar contains an entry for this variant (Variation ID: 1904702). Invitae Evidence Modeling of protein sequence and biophysical properties (such as structural, functional, and spatial information, amino acid conservation, physicochemical variation, residue mobility, and thermodynamic stability) has been performed for this missense variant. However, the output from this modeling did not meet the statistical confidence thresholds required to predict the impact of this variant on MET protein function. In summary, the available evidence is currently insufficient to determine the role of this variant in disease. Therefore, it has been classified as a Variant of Uncertain Significance.